The following is an entry in ClinVar:

NM_001754.5(RUNX1):c.*2193del

Gene: RUNX1 (RUNX family transcription factor 1; minus strand). Cytogenetic location: 21q22.12.
Variant type: Deletion.
Coding change: c.*2193del on transcript NM_001754.5 (MANE Select); 2193 bases downstream of the stop codon, one base deleted (G; older notation c.*2193delG).
Molecular consequence: 3 prime UTR variant.
Genome position (GRCh38, 1-based): chr21:34,789,942, C deleted on the plus strand (G on the coding strand, the reverse complement: RUNX1 is on the minus strand). VCF-style (leftmost placement, unchanged base first): chr21-34789941-AC-A. GRCh37 (hg19) VCF-style: chr21-36162238-AC-A.
Other names: c.*2193del (NM_001001890.3, NM_001754.4).
Identifiers: ClinVar variation 339838 (VCV000339838.6), dbSNP rs201977305, ClinGen allele CA10644627.

ClinVar aggregate classification (germline): Benign (3 of 4 stars; one submission).

Conditions:
Hereditary thrombocytopenia and hematologic cancer predisposition syndrome. Identifiers: Orphanet 71290, MedGen CN281654, MONDO:0011071.

Allele frequency attached by ClinVar (database versions not stated): gnomAD 0.00589 and 0.00652; TOPMed 0.00863; 1000 Genomes Project 30x 0.01312; 1000 Genomes Project 0.01358; gnomAD exomes 0.00513.

Submission:

ClinGen Myeloid Malignancy Variant Curation Expert Panel
Classification: Benign for Hereditary thrombocytopenia and hematologic cancer predisposition syndrome. Last evaluated: 2020-05-13. Review status: reviewed by expert panel. Criteria: ClinGen MyeloMalig ACMG Specifications v1. Collection method: curation. Allele origin: germline. Inheritance: Autosomal dominant inheritance.
Comment: The RUNX1 c.*2193del variant in the 3' UTR has an MAF of 0.007918 (0.79%, 69/8714 alleles) in the African subpopulation of the gnomAD v2.1.1 cohort and is >= 0.0015 (0.15%) (BA1). In summary, this variant meets criteria to be classified as benign. ACMG/AMP criteria applied, as specified by the Myeloid Malignancy Variant Curation Expert Panel for RUNX1: BA1.